The following is an entry in ClinVar:

ClinVar aggregate classification (germline): Uncertain significance (1 of 4 stars; one submission).

Submission:

GeneDx
Classification: Uncertain significance. Last evaluated: 2019-09-19. Review status: criteria provided, single submitter. Criteria: GeneDx Variant Classification Process June 2021. Collection method: clinical testing. Allele origin: germline. Affected: yes.
Comment: Not observed in large population cohorts (Lek et al., 2016); In silico analysis, which includes protein predictors and evolutionary conservation, supports a deleterious effect; Has not been previously published as pathogenic or benign to our knowledge

NM_004484.4(GPC3):c.821G>C (p.Cys274Ser)

Gene: GPC3 (glypican 3; minus strand). Cytogenetic location: Xq26.2.
Variant type: single nucleotide variant.
Coding change: c.821G>C on transcript NM_004484.4 (MANE Select); coding-DNA position 821, G replaced by C.
Protein change: p.Cys274Ser; replaces cysteine 274 with serine.
Molecular consequence: missense variant.
Genome position (GRCh38, 1-based): chrX:133,753,693, C>G on the plus strand (G>C on the coding strand, the complement: GPC3 is on the minus strand). VCF-style: chrX-133753693-C-G. GRCh37 (hg19) VCF-style: chrX-132887720-C-G.
Other names: c.821G>C, p.Cys274Ser (NM_001164617.2); c.773G>C, p.Cys258Ser (NM_001164618.2); c.659G>C, p.Cys220Ser (NM_001164619.2); short protein forms C220S, C258S, C274S.
Identifiers: ClinVar variation 1312255 (VCV001312255.2), dbSNP rs2124480119, ClinGen allele CA414705686.